The following is an entry in ClinVar:

ClinVar aggregate classification (germline): Uncertain significance (1 of 4 stars; one submission).

Conditions:
Congenital myasthenic syndrome 20. Also called: Myasthenic syndrome, congenital, 20, presynaptic. Identifiers: MedGen C4310694, MONDO:0014939, OMIM 617143.
Neuronopathy, distal hereditary motor, type 7A. Also called: NEURONOPATHY, DISTAL HEREDITARY MOTOR, HARDING TYPE VIIA; NEUROPATHY, DISTAL HEREDITARY MOTOR, HARDING TYPE VIIA; Neuronopathy, distal hereditary motor, autosomal dominant 7; HARPER-YOUNG MYOPATHY; HMN VIIA; Neuronopathy, distal hereditary motor, type viia. Identifiers: Orphanet 139589, MedGen C1834703, MONDO:0008024, OMIM 158580.

gnomAD v4.1: 11 of 1,613,502 alleles (0.00068%); highest among the groups gnomAD compares: Non-Finnish European, 0.00093%; no homozygotes.

Submission:

Labcorp Genetics (formerly Invitae), Labcorp
Classification: Uncertain significance for Neuronopathy, distal hereditary motor, type 7A; Congenital myasthenic syndrome 20. Last evaluated: 2025-08-21. Review status: criteria provided, single submitter. Criteria: Invitae Variant Classification Sherloc (09022015). Collection method: clinical testing. Allele origin: germline.
Comment: This sequence change replaces valine, which is neutral and non-polar, with methionine, which is neutral and non-polar, at codon 330 of the SLC5A7 protein (p.Val330Met). This variant is present in population databases (rs746802512, gnomAD 0.0009%). This variant has not been reported in the literature in individuals affected with SLC5A7-related conditions. Invitae Evidence Modeling of protein sequence and biophysical properties (such as structural, functional, and spatial information, amino acid conservation, physicochemical variation, residue mobility, and thermodynamic stability) indicates that this missense variant is not expected to disrupt SLC5A7 protein function with a negative predictive value of 80%. In summary, the available evidence is currently insufficient to determine the role of this variant in disease. Therefore, it has been classified as a Variant of Uncertain Significance.

NM_021815.5(SLC5A7):c.988G>A (p.Val330Met)

Gene: SLC5A7 (solute carrier family 5 member 7; plus strand). Cytogenetic location: 2q12.3.
Variant type: single nucleotide variant.
Coding change: c.988G>A on transcript NM_021815.5 (MANE Select); coding-DNA position 988, G replaced by A.
Protein change: p.Val330Met; replaces valine 330 with methionine.
Molecular consequence: missense variant.
Genome position (GRCh38, 1-based): chr2:108,008,557, G>A. VCF-style: chr2-108008557-G-A. GRCh37 (hg19) VCF-style: chr2-108625013-G-A.
Other names: c.988G>A, p.Val330Met (NM_001305005.3); c.673G>A, p.Val225Met (NM_001305006.3); c.247G>A, p.Val83Met (NM_001305007.3); short protein forms V225M, V330M, V83M.
Identifiers: ClinVar variation 4792631 (VCV004792631.1).
Genomic context (GRCh38, chr2:108,008,557, plus strand): 5'-CCCAAGACTACAGAAGAGGCAGACATGATTTTACCAATTGTTCTGCAGTATCTCTGCCCT[G>A]TGTATATTTCTTTCTTTGGTCTTGGTGCAGTTTCTGCTGCTGTTATGTCATCAGCAGATT-3'
Protein context (NP_068587.1, residues 320-340): LPIVLQYLCP[Val330Met]YISFFGLGAV